The following is an entry in ClinVar:

NM_003722.5(TP63):c.374A>C (p.Gln125Pro)

Gene: TP63 (tumor protein p63; plus strand). Cytogenetic location: 3q28.
Variant type: single nucleotide variant.
Coding change: c.374A>C on transcript NM_003722.5 (MANE Select); coding-DNA position 374, A replaced by C.
Protein change: p.Gln125Pro; replaces glutamine 125 with proline.
Molecular consequence: missense variant. On other transcripts: intron variant (2).
Genome position (GRCh38, 1-based): chr3:189,808,321, A>C. VCF-style: chr3-189808321-A-C. GRCh37 (hg19) VCF-style: chr3-189526110-A-C.
Other names: c.374A>C, p.Gln125Pro (NM_001114978.2, NM_001114979.2, NM_001329144.2 and 1 more transcripts); c.92A>C, p.Gln31Pro (NM_001114980.2, NM_001114981.2, NM_001114982.2 and 2 more transcripts); c.368A>C, p.Gln123Pro (NM_001329964.2); c.42+18479A>C (NM_001329146.2, NM_001329150.2); short protein forms Q123P, Q125P, Q31P.
Identifiers: ClinVar variation 1202722 (VCV001202722.13), dbSNP rs982556895, ClinGen allele CA89711491.

ClinVar aggregate classification (germline): Conflicting classifications of pathogenicity. Review status: criteria provided, conflicting classifications (1 of 4 stars). 4 submissions from 4 submitters: Uncertain significance (1); Likely benign (2). 1 of the submissions does not count toward it. Last evaluated 2024-11-27.

Conditions:
TP63-related disorder. Also called: TP63-related condition; TP63-Related Disorders. Identifiers: MedGen CN380159.
TP63-Related Spectrum Disorders.
Inborn genetic diseases. Identifiers: MedGen C0950123, MeSH D030342.

Allele frequency attached by ClinVar (database versions not stated): gnomAD exomes 0.00002 and 0.00010; gnomAD 0.00013; TOPMed 0.00019.
gnomAD v4.1: 48 of 1,614,086 alleles (0.003%); highest among the groups gnomAD compares: Admixed American, 0.077%; no homozygotes.

Submissions (4):

Labcorp Genetics (formerly Invitae), Labcorp
Classification: Likely benign. Last evaluated: 2024-11-27. Review status: criteria provided, single submitter. Criteria: Invitae Variant Classification Sherloc (09022015). Collection method: clinical testing. Allele origin: germline.

Ambry Genetics
Classification: Uncertain significance for Inborn genetic diseases. Last evaluated: 2023-02-23. Review status: criteria provided, single submitter. Criteria: Ambry Variant Classification Scheme 2023. Collection method: clinical testing. Allele origin: germline.

GeneDx
Classification: Likely benign. Last evaluated: 2019-12-11. Review status: criteria provided, single submitter. Criteria: GeneDx Variant Classification Process June 2021. Collection method: clinical testing. Allele origin: germline. Affected: yes.

PreventionGenetics, part of Exact Sciences
Classification: Likely benign for TP63-related condition. Last evaluated: 2021-12-06. Review status: no assertion criteria provided. Collection method: clinical testing. Allele origin: germline. Not counted in ClinVar's aggregate classification.
Comment: This variant is classified as likely benign based on ACMG/AMP sequence variant interpretation guidelines (Richards et al. 2015 PMID: 25741868, with internal and published modifications).